The following is an entry in ClinVar:

ClinVar aggregate classification (germline): Uncertain significance (1 of 4 stars; one submission).

Conditions:
Cardiovascular phenotype. Identifiers: MedGen CN230736.

Submission:

Ambry Genetics
Classification: Uncertain significance for Cardiovascular phenotype. Last evaluated: 2023-12-10. Review status: criteria provided, single submitter. Criteria: Ambry Variant Classification Scheme 2023. Collection method: clinical testing. Allele origin: germline.
Comment: The p.N210S variant (also known as c.629A>G), located in coding exon 4 of the TBX20 gene, results from an A to G substitution at nucleotide position 629. The asparagine at codon 210 is replaced by serine, an amino acid with highly similar properties. This amino acid position is conserved. In addition, the in silico prediction for this alteration is inconclusive. Since supporting evidence is limited at this time, the clinical significance of this alteration remains unclear.

NM_001077653.2(TBX20):c.629A>G (p.Asn210Ser)

Gene: TBX20 (T-box transcription factor 20; minus strand). Cytogenetic location: 7p14.2.
Variant type: single nucleotide variant.
Coding change: c.629A>G on transcript NM_001077653.2 (MANE Select); coding-DNA position 629, A replaced by G.
Protein change: p.Asn210Ser; replaces asparagine 210 with serine.
Molecular consequence: missense variant.
Genome position (GRCh38, 1-based): chr7:35,244,974, T>C on the plus strand (A>G on the coding strand, the complement: TBX20 is on the minus strand). VCF-style: chr7-35244974-T-C. GRCh37 (hg19) VCF-style: chr7-35284586-T-C.
Other names: c.629A>G, p.Asn210Ser (NM_001166220.1); short protein forms N210S.
Identifiers: ClinVar variation 3232614 (VCV003232614.1), dbSNP rs2546994697, ClinGen allele CA367264319.
Genomic context (GRCh38, chr7:35,244,974, plus strand): 5'-CAGGGAACCTGCACAGTCCAAGGCATGGTACTTACATGGCCATGTTGATCCAGTTCATTG[T>C]TGGTGAGTTTCACCTTTTCAAAAGACACCATCTGTTTGAGTAGTTGCTCACCGGTAAAAG-3'
Protein context (NP_001071121.1, residues 200-220): MVSFEKVKLT[Asn210Ser]NELDQHGHII